The following is an entry in ClinVar:

ClinVar aggregate classification (germline): Uncertain significance (1 of 4 stars; one submission).

Conditions:
Hypophosphatemic rickets, autosomal recessive, 1 (ARHR1). Also called: HYPOPHOSPHATEMIA, AUTOSOMAL RECESSIVE. Identifiers: Orphanet 289176, MedGen C4551495, MONDO:0009430, OMIM 241520. Disease mechanism: loss of function.

Submission:

Juno Genomics, Hangzhou Juno Genomics, Inc
Classification: Uncertain significance for Hypophosphatemic rickets, autosomal recessive, 1. Review status: criteria provided, single submitter. Criteria: ACMG Guidelines, 2015. Collection method: clinical testing. Allele origin: germline.
Comment: Absent from controls (or at extremely low frequency if recessive) in Genome Aggregation Database.;Multiple lines of computational evidence support a deleterious effect on the gene or gene product.

NM_004407.4(DMP1):c.135+4A>T

Genes: DMP1 (dentin matrix acidic phosphoprotein 1; plus strand), DMP1-AS1 (DMP1 and DSPP antisense RNA 1; minus strand). Cytogenetic location: 4q22.1.
Variant type: single nucleotide variant.
Coding change: c.135+4A>T on transcript NM_004407.4 (MANE Select); 4 bases into the intron after coding-DNA position 135, A replaced by T.
Molecular consequence: intron variant.
Genome position (GRCh38, 1-based): chr4:87,659,256, A>T. VCF-style: chr4-87659256-A-T. GRCh37 (hg19) VCF-style: chr4-88580408-A-T.
Other names: c.135+4A>T (NM_001079911.3).
Identifiers: ClinVar variation 5006801 (VCV005006801.2).